The following is an entry in ClinVar:

NM_002292.4(LAMB2):c.4013G>A (p.Ser1338Asn)

Gene: LAMB2 (laminin subunit beta 2; minus strand). Cytogenetic location: 3p21.31.
Variant type: single nucleotide variant.
Coding change: c.4013G>A on transcript NM_002292.4 (MANE Select); coding-DNA position 4013, G replaced by A.
Protein change: p.Ser1338Asn; replaces serine 1338 with asparagine.
Molecular consequence: missense variant.
Genome position (GRCh38, 1-based): chr3:49,123,343, C>T on the plus strand (G>A on the coding strand, the complement: LAMB2 is on the minus strand). VCF-style: chr3-49123343-C-T. GRCh37 (hg19) VCF-style: chr3-49160776-C-T.
Other names: short protein forms S1338N.
Identifiers: ClinVar variation 1717197 (VCV001717197.6), dbSNP rs1414720084, ClinGen allele CA352697524.
Genomic context (GRCh38, chr3:49,123,343, plus strand): 5'-ACAGGGCTAGGTACTGCCAGGGCTGAGGTATTGGCACGACGTTCTGCCTCTGCAGACTGG[C>T]TATGGGCATGCCGGATGCTGTCATAGGCACCTAAATTGGGCAGAGGCAGACAGTCAGCTG-3'
Protein context (NP_002283.3, residues 1328-1348): GAYDSIRHAH[Ser1338Asn]QSAEAERRAN

ClinVar aggregate classification (germline): Uncertain significance (1 of 4 stars; one submission).

Conditions:
Pierson syndrome. Also called: MICROCORIA-CONGENITAL NEPHROTIC SYNDROME. Identifiers: Orphanet 2670, MedGen C1836876, MONDO:0012184, OMIM 609049.
LAMB2-related infantile-onset nephrotic syndrome. Also called: NEPHROTIC SYNDROME, TYPE 5, WITHOUT OCULAR ABNORMALITIES; NEPHROTIC SYNDROME, TYPE 5, WITH OCULAR ABNORMALITIES; Nephrotic Syndrome, type 5. Identifiers: Orphanet 306507, MedGen C3280113, MONDO:0013621, OMIM 614199.

Allele frequency attached by ClinVar (database versions not stated): TOPMed below 0.00001; gnomAD 0.00001.
gnomAD v4.1: 1 of 1,613,908 alleles (0.000062%); highest among the groups gnomAD compares: East Asian, 0.0022%; no homozygotes.

Submission:

Labcorp Genetics (formerly Invitae), Labcorp
Classification: Uncertain significance for LAMB2-related infantile-onset nephrotic syndrome; Pierson syndrome. Last evaluated: 2022-08-20. Review status: criteria provided, single submitter. Criteria: Invitae Variant Classification Sherloc (09022015). Collection method: clinical testing. Allele origin: germline.
Comment: This variant has not been reported in the literature in individuals affected with LAMB2-related conditions. In summary, the available evidence is currently insufficient to determine the role of this variant in disease. Therefore, it has been classified as a Variant of Uncertain Significance. Algorithms developed to predict the effect of missense changes on protein structure and function (SIFT, PolyPhen-2, Align-GVGD) all suggest that this variant is likely to be tolerated. This variant is not present in population databases (gnomAD no frequency). This sequence change replaces serine, which is neutral and polar, with asparagine, which is neutral and polar, at codon 1338 of the LAMB2 protein (p.Ser1338Asn).